The following is an entry in ClinVar:

ClinVar aggregate classification (germline): Benign (1 of 4 stars; one submission).

Conditions:
Congenital microvillous atrophy (DIAR2). Also called: CONGENITAL FAMILIAL PROTRACTED DIARRHEA WITH ENTEROCYTE BRUSH-BORDER ABNORMALITIES; DAVIDSON DISEASE; MICROVILLUS ATROPHY, CONGENITAL; Microvillus inclusion disease; Diarrhea 2 with microvillus atrophy, with or without cholestasis. Identifiers: Orphanet 2290, MedGen C0341306, MONDO:0009635, OMIM 251850.

Allele frequency attached by ClinVar (database versions not stated): gnomAD 0.00623 and 0.00667; 1000 Genomes Project 30x 0.00812; 1000 Genomes Project 0.00819.

Submission:

Illumina Laboratory Services, Illumina
Classification: Benign for Congenital microvillous atrophy. Last evaluated: 2018-01-13. Review status: criteria provided, single submitter. Criteria: ICSL Variant Classification Criteria 13 December 2019. Collection method: clinical testing. Allele origin: germline.
Comment: This variant was observed in the ICSL laboratory as part of a predisposition screen in an ostensibly healthy population. It had not been previously curated by ICSL or reported in the Human Gene Mutation Database (HGMD: prior to June 1st, 2018), and was therefore a candidate for classification through an automated scoring system. Utilizing variant allele frequency, disease prevalence and penetrance estimates, and inheritance mode, an automated score was calculated to assess if this variant is too frequent to cause the disease. Based on the score and internal cut-off values, a variant classified as benign is not then subjected to further curation. The score for this variant resulted in a classification of benign for this disease.

NM_001080467.3(MYO5B):c.*2283T>C

Genes: MYO5B (myosin VB; minus strand), SNHG22 (small nucleolar RNA host gene 22; plus strand). Cytogenetic location: 18q21.1.
Variant type: single nucleotide variant.
Coding change: c.*2283T>C on transcript NM_001080467.3 (MANE Select); 2283 bases downstream of the stop codon, T replaced by C.
Molecular consequence: 3 prime UTR variant.
Genome position (GRCh38, 1-based): chr18:49,824,188, A>G on the plus strand (T>C on the coding strand, the complement: MYO5B is on the minus strand). VCF-style: chr18-49824188-A-G. GRCh37 (hg19) VCF-style: chr18-47350558-A-G.
Identifiers: ClinVar variation 891038 (VCV000891038.4), dbSNP rs59318525, ClinGen allele CA299923031.
Genomic context (GRCh38, chr18:49,824,188, plus strand): 5'-ATAAATGTTTGAATTGAAATGATTTTTTAAAATGCAGAGAAAATGCTAACAAAAGATTAT[A>G]TAGTTCCCCTAAAGATGCTTCTTCTAGCCTCCAAGTATTAAATAAGACAGATCTAAATAT-3'